The following is an entry in ClinVar:

ClinVar aggregate classification (germline): Uncertain significance (1 of 4 stars; one submission).

Allele frequency attached by ClinVar (database versions not stated): ExAC 0.00001; gnomAD 0.00002 and 0.00003; gnomAD exomes 0.00002 and 0.00008; TOPMed 0.00002.

Submission:

Labcorp Genetics (formerly Invitae), Labcorp
Classification: Uncertain significance. Last evaluated: 2020-11-11. Review status: criteria provided, single submitter. Criteria: Invitae Variant Classification Sherloc (09022015). Collection method: clinical testing. Allele origin: germline.
Comment: In summary, the available evidence is currently insufficient to determine the role of this variant in disease. Therefore, it has been classified as a Variant of Uncertain Significance. Algorithms developed to predict the effect of missense changes on protein structure and function (SIFT, PolyPhen-2, Align-GVGD) all suggest that this variant is likely to be tolerated, but these predictions have not been confirmed by published functional studies and their clinical significance is uncertain. This sequence change replaces glutamic acid with aspartic acid at codon 148 of the CFAP410 protein (p.Glu148Asp). The glutamic acid residue is weakly conserved and there is a small physicochemical difference between glutamic acid and aspartic acid. This variant is present in population databases (rs747205833, ExAC 0.002%). This variant has not been reported in the literature in individuals with CFAP410-related conditions.

NM_004928.3(CFAP410):c.444G>T (p.Glu148Asp)

Gene: CFAP410 (cilia and flagella associated protein 410; minus strand). Cytogenetic location: 21q22.3.
Variant type: single nucleotide variant.
Coding change: c.444G>T on transcript NM_004928.3 (MANE Select); coding-DNA position 444, G replaced by T.
Protein change: p.Glu148Asp; replaces glutamic acid 148 with aspartic acid.
Molecular consequence: missense variant.
Genome position (GRCh38, 1-based): chr21:44,331,944, C>A on the plus strand (G>T on the coding strand, the complement: CFAP410 is on the minus strand). VCF-style: chr21-44331944-C-A. GRCh37 (hg19) VCF-style: chr21-45751827-C-A.
Other names: c.444G>T, p.Glu148Asp (NM_001271440.2, NM_001271441.2); c.321G>T, p.Glu107Asp (NM_001271442.1); short protein forms E107D, E148D.
Identifiers: ClinVar variation 1005581 (VCV001005581.9), dbSNP rs747205833, ClinGen allele CA10053673.